The following is an entry in ClinVar:

NM_003922.4(HERC1):c.7747G>A (p.Ala2583Thr)

Gene: HERC1 (HECT and RLD domain containing E3 ubiquitin protein ligase family member 1; minus strand). Cytogenetic location: 15q22.31.
Variant type: single nucleotide variant.
Coding change: c.7747G>A on transcript NM_003922.4 (MANE Select); coding-DNA position 7747, G replaced by A.
Protein change: p.Ala2583Thr; replaces alanine 2583 with threonine.
Molecular consequence: missense variant.
Genome position (GRCh38, 1-based): chr15:63,674,441, C>T on the plus strand (G>A on the coding strand, the complement: HERC1 is on the minus strand). VCF-style: chr15-63674441-C-T. GRCh37 (hg19) VCF-style: chr15-63966640-C-T.
Other names: short protein forms A2583T.
Identifiers: ClinVar variation 2173882 (VCV002173882.4), dbSNP rs371527327, ClinGen allele CA7605107.

ClinVar aggregate classification (germline): Uncertain significance (1 of 4 stars; one submission).

Allele frequency attached by ClinVar (database versions not stated): gnomAD 0.00001; ExAC 0.00003; ESP Exome Variant Server 0.00008.
gnomAD v4.1: 28 of 1,613,790 alleles (0.0017%); highest among the groups gnomAD compares: Middle Eastern, 0.082%; no homozygotes.

Submission:

Labcorp Genetics (formerly Invitae), Labcorp
Classification: Uncertain significance. Last evaluated: 2025-01-13. Review status: criteria provided, single submitter. Criteria: Invitae Variant Classification Sherloc (09022015). Collection method: clinical testing. Allele origin: germline.
Comment: This sequence change replaces alanine, which is neutral and non-polar, with threonine, which is neutral and polar, at codon 2583 of the HERC1 protein (p.Ala2583Thr). This variant is present in population databases (rs371527327, gnomAD 0.04%). This variant has not been reported in the literature in individuals affected with HERC1-related conditions. ClinVar contains an entry for this variant (Variation ID: 2173882). Invitae Evidence Modeling of protein sequence and biophysical properties (such as structural, functional, and spatial information, amino acid conservation, physicochemical variation, residue mobility, and thermodynamic stability) indicates that this missense variant is not expected to disrupt HERC1 protein function with a negative predictive value of 80%. In summary, the available evidence is currently insufficient to determine the role of this variant in disease. Therefore, it has been classified as a Variant of Uncertain Significance.